The following is an entry in ClinVar:

NM_001010874.5(TECRL):c.85delinsATCATC (p.Asp29fs)

Gene: TECRL (trans-2,3-enoyl-CoA reductase like; minus strand). Cytogenetic location: 4q13.1.
Variant type: Indel.
Coding change: c.85delinsATCATC on transcript NM_001010874.5 (MANE Select); coding-DNA position 85, G replaced by ATCATC.
Protein change: p.Asp29fs; shifts the reading frame from aspartic acid 29.
Molecular consequence: frameshift variant.
Genome position (GRCh38, 1-based): chr4:64,409,267, C replaced by GATGAT on the plus strand (G replaced by ATCATC on the coding strand, the reverse complement: TECRL is on the minus strand). VCF-style: chr4-64409267-C-GATGAT. GRCh37 (hg19) VCF-style: chr4-65274985-C-GATGAT.
Other names: c.85delinsATCATC, p.Asp29fs (NM_001363796.1); short protein forms D29fs.
Identifiers: ClinVar variation 5030602 (VCV005030602.1).

ClinVar aggregate classification (germline): Likely pathogenic (1 of 4 stars; one submission).

Conditions:
Cardiovascular phenotype. Identifiers: MedGen CN230736.

Submission:

Ambry Genetics
Classification: Likely pathogenic for Cardiovascular phenotype. Last evaluated: 2026-07-15. Review status: criteria provided, single submitter. Criteria: Ambry Variant Classification Scheme 2023. Collection method: clinical testing. Allele origin: germline.
Comment: The c.85delGinsATCATC variant, located in coding exon 1 of the TECRL gene, results from the deletion of one nucleotide and insertion of 6 nucleotides causing a translational frameshift with a predicted alternate stop codon (p.D29Ifs*4). The predicted stop codon occurs in the 5&rsquo; end of thegene. Premature termination codons in the 5&rsquo; end of a gene have been reported to escape nonsense-mediated mRNAdecay and/or lead to re-initiation (Rivas et al. Science. 2015 May 8;348(6235):666-9; Lindeboom et al. Nat Genet. 2016 Oct;48(10):1112-8; Rhee et al. Sci Rep. 2017 May 10;7(1):1653). Direct evidence for this variant is unavailable, however premature termination codons are typically deleterious in nature. This variant is considered to be rare based on population cohorts in the Genome Aggregation Database (gnomAD). Based on the majority of available evidence to date, this variant is likely to be pathogenic.